The following is an entry in ClinVar:

NM_000548.5(TSC2):c.4887C>G (p.Asp1629Glu)

Gene: TSC2 (TSC complex subunit 2; plus strand). Cytogenetic location: 16p13.3.
Variant type: single nucleotide variant.
Coding change: c.4887C>G on transcript NM_000548.5 (MANE Select); coding-DNA position 4887, C replaced by G.
Protein change: p.Asp1629Glu; replaces aspartic acid 1629 with glutamic acid.
Molecular consequence: missense variant.
Genome position (GRCh38, 1-based): chr16:2,086,769, C>G. VCF-style: chr16-2086769-C-G. GRCh37 (hg19) VCF-style: chr16-2136770-C-G.
Other names: c.4887C>G (NM_000548.3); c.4686C>G, p.Asp1562Glu (NM_001077183.3); c.4818C>G, p.Asp1606Glu (NM_001114382.3); c.4578C>G, p.Asp1526Glu (NM_001318827.2); c.4542C>G, p.Asp1514Glu (NM_001318829.2); c.4155C>G, p.Asp1385Glu (NM_001318831.2); c.4719C>G, p.Asp1573Glu (NM_001318832.2); c.4689C>G, p.Asp1563Glu (NM_001363528.2); and 2 more; short protein forms D1385E, D1514E, D1526E, D1562E, D1563E, D1573E, D1585E, D1586E.
Identifiers: ClinVar variation 1024269 (VCV001024269.9), dbSNP rs137854152, ClinGen allele CA394308368.

ClinVar aggregate classification (germline): Uncertain significance. Review status: criteria provided, multiple submitters, no conflicts (2 of 4 stars). 2 submissions from 2 submitters: Uncertain significance (2). Last evaluated 2026-01-22.

Conditions:
Hereditary cancer-predisposing syndrome. Also called: Hereditary Cancer Syndrome; Neoplastic Syndromes, Hereditary; Tumor predisposition; Hereditary neoplastic syndrome. Identifiers: Orphanet 140162, MedGen C0027672, MeSH D009386, MONDO:0015356.
Tuberous sclerosis 2 (TSC2). Identifiers: Orphanet 805, MedGen C1860707, MONDO:0013199, OMIM 613254.

Submissions (2):

Ambry Genetics
Classification: Uncertain significance for Hereditary cancer-predisposing syndrome. Last evaluated: 2026-01-22. Review status: criteria provided, single submitter. Criteria: Ambry Variant Classification Scheme 2023. Collection method: clinical testing. Allele origin: germline.
Comment: The p.D1629E variant (also known as c.4887C>G), located in coding exon 37 of the TSC2 gene, results from a C to G substitution at nucleotide position 4887. The aspartic acid at codon 1629 is replaced by glutamic acid, an amino acid with highly similar properties. This amino acid position is conserved. In addition, the in silico prediction for this alteration is inconclusive. Based on the available evidence, the clinical significance of this variant remains unclear.

Labcorp Genetics (formerly Invitae), Labcorp
Classification: Uncertain significance for Tuberous sclerosis 2. Last evaluated: 2023-08-10. Review status: criteria provided, single submitter. Criteria: Invitae Variant Classification Sherloc (09022015). Collection method: clinical testing. Allele origin: germline.
Comment: This sequence change replaces aspartic acid, which is acidic and polar, with glutamic acid, which is acidic and polar, at codon 1629 of the TSC2 protein (p.Asp1629Glu). In summary, the available evidence is currently insufficient to determine the role of this variant in disease. Therefore, it has been classified as a Variant of Uncertain Significance. Advanced modeling of protein sequence and biophysical properties (such as structural, functional, and spatial information, amino acid conservation, physicochemical variation, residue mobility, and thermodynamic stability) performed at Invitae indicates that this missense variant is not expected to disrupt TSC2 protein function. ClinVar contains an entry for this variant (Variation ID: 1024269). This variant has not been reported in the literature in individuals affected with TSC2-related conditions. This variant is not present in population databases (gnomAD no frequency).